The following is an entry in ClinVar:

ClinVar aggregate classification (germline): Likely benign (1 of 4 stars; one submission).

gnomAD v4.1: 10 of 1,614,132 alleles (0.00062%); highest among the groups gnomAD compares: South Asian, 0.0055%; no homozygotes.

Submission:

CeGaT Center for Human Genetics Tuebingen
Classification: Likely benign. Last evaluated: 2023-01-01. Review status: criteria provided, single submitter. Criteria: CeGaT Center For Human Genetics Tuebingen Variant Classification Criteria Version 2. Collection method: clinical testing. Allele origin: germline. Affected: yes. Observed: 1 variant allele.
Comment: DNAH3: BP4, BP7

NM_001347886.2(DNAH3):c.4791G>A (p.Ala1597=)

Gene: DNAH3 (dynein axonemal heavy chain 3; minus strand). Cytogenetic location: 16p12.3.
Variant type: single nucleotide variant.
Coding change: c.4791G>A on transcript NM_001347886.2 (MANE Select); coding-DNA position 4791, G replaced by A.
Protein change: p.Ala1597=; no amino-acid change (alanine 1597 retained).
Molecular consequence: synonymous variant.
Genome position (GRCh38, 1-based): chr16:21,037,782, C>T on the plus strand (G>A on the coding strand, the complement: DNAH3 is on the minus strand). VCF-style: chr16-21037782-C-T. GRCh37 (hg19) VCF-style: chr16-21049104-C-T.
Other names: c.4929G>A, p.Ala1643= (NM_017539.2).
Identifiers: ClinVar variation 2646298 (VCV002646298.24), dbSNP rs1312058412, ClinGen allele CA493869379.